The following is an entry in ClinVar:

NM_025221.6(KCNIP4):c.16G>A (p.Val6Met)

Gene: KCNIP4 (potassium voltage-gated channel interacting protein 4; minus strand). Cytogenetic location: 4p15.2.
Variant type: single nucleotide variant.
Coding change: c.16G>A on transcript NM_025221.6 (MANE Select); coding-DNA position 16, G replaced by A.
Protein change: p.Val6Met; replaces valine 6 with methionine.
Molecular consequence: missense variant. On other transcripts: 5 prime UTR variant (1).
Genome position (GRCh38, 1-based): chr4:21,948,616, C>T on the plus strand (G>A on the coding strand, the complement: KCNIP4 is on the minus strand). VCF-style: chr4-21948616-C-T. GRCh37 (hg19) VCF-style: chr4-21950239-C-T.
Other names: c.16G>A, p.Val6Met (NM_147181.4); c.-181G>A (NM_147182.4); short protein forms V6M.
Identifiers: ClinVar variation 2258360 (VCV002258360.3), dbSNP rs377005581, ClinGen allele CA2873245.

ClinVar aggregate classification (germline): Uncertain significance (1 of 4 stars; one submission).

Allele frequency attached by ClinVar (database versions not stated): TOPMed 0.00002; ExAC 0.00002; gnomAD exomes 0.00004; gnomAD 0.00002; ESP Exome Variant Server 0.00008.
gnomAD v4.1: 54 of 1,613,472 alleles (0.0033%); highest among the groups gnomAD compares: Non-Finnish European, 0.0045%; no homozygotes.

Submission:

Ambry Genetics
Classification: Uncertain significance. Last evaluated: 2025-05-05. Review status: criteria provided, single submitter. Criteria: Ambry Variant Classification Scheme 2023. Collection method: clinical testing. Allele origin: germline.
Comment: The c.16G>A (p.V6M) alteration is located in exon (coding exon ) of the KCNIP4 gene. This alteration results from a G to A substitution at nucleotide position 16, causing the valine (V) at amino acid position 6 to be replaced by a methionine (M). Based on insufficient or conflicting evidence, the clinical significance of this alteration remains unclear.